The following is an entry in ClinVar:

ClinVar aggregate classification (germline): Uncertain significance (1 of 4 stars; one submission).

Conditions:
Chédiak-Higashi syndrome (CHS). Also called: Chediak-Higashi Syndrome. Identifiers: Orphanet 167, MedGen C0007965, MONDO:0008963, OMIM 214500.

Allele frequency attached by ClinVar (database versions not stated): gnomAD exomes below 0.00001; ExAC 0.00001.
gnomAD v4.1: 2 of 1,613,850 alleles (0.00012%); highest among the groups gnomAD compares: Admixed American, 0.0033%; no homozygotes.

Submission:

Labcorp Genetics (formerly Invitae), Labcorp
Classification: Uncertain significance for Chédiak-Higashi syndrome. Last evaluated: 2021-09-24. Review status: criteria provided, single submitter. Criteria: Invitae Variant Classification Sherloc (09022015). Collection method: clinical testing. Allele origin: germline.
Comment: This sequence change replaces glutamic acid with glutamine at codon 2958 of the LYST protein (p.Glu2958Gln). The glutamic acid residue is highly conserved and there is a small physicochemical difference between glutamic acid and glutamine. This variant is present in population databases (rs777030324, ExAC 0.009%). This variant has not been reported in the literature in individuals with LYST-related conditions. Algorithms developed to predict the effect of missense changes on protein structure and function are either unavailable or do not agree on the potential impact of this missense change (SIFT: "Tolerated"; PolyPhen-2: "Probably Damaging"; Align-GVGD: "Class C0"). In summary, the available evidence is currently insufficient to determine the role of this variant in disease. Therefore, it has been classified as a Variant of Uncertain Significance.

NM_000081.4(LYST):c.8872G>C (p.Glu2958Gln)

Gene: LYST (lysosomal trafficking regulator; minus strand). Cytogenetic location: 1q42.3.
Variant type: single nucleotide variant.
Coding change: c.8872G>C on transcript NM_000081.4 (MANE Select); coding-DNA position 8872, G replaced by C.
Protein change: p.Glu2958Gln; replaces glutamic acid 2958 with glutamine.
Molecular consequence: missense variant.
Genome position (GRCh38, 1-based): chr1:235,731,107, C>G on the plus strand (G>C on the coding strand, the complement: LYST is on the minus strand). VCF-style: chr1-235731107-C-G. GRCh37 (hg19) VCF-style: chr1-235894407-C-G.
Other names: c.8872G>C, p.Glu2958Gln (NM_001301365.1); short protein forms E2958Q.
Identifiers: ClinVar variation 1398118 (VCV001398118.5), dbSNP rs777030324, ClinGen allele CA1465735.